The following is an entry in ClinVar:

ClinVar aggregate classification (germline): Uncertain significance (1 of 4 stars; one submission).

Conditions:
Hereditary cancer-predisposing syndrome. Also called: Hereditary Cancer Syndrome; Hereditary neoplastic syndrome; Neoplastic Syndromes, Hereditary; Tumor predisposition. Identifiers: Orphanet 140162, MedGen C0027672, MeSH D009386, MONDO:0015356.

Submission:

Ambry Genetics
Classification: Uncertain significance for Hereditary cancer-predisposing syndrome. Last evaluated: 2021-03-12. Review status: criteria provided, single submitter. Criteria: Ambry Variant Classification Scheme 2023. Collection method: clinical testing. Allele origin: germline.
Comment: The p.D440E variant (also known as c.1320C>A), located in coding exon 13 of the POLE gene, results from a C to A substitution at nucleotide position 1320. The aspartic acid at codon 440 is replaced by glutamic acid, an amino acid with highly similar properties. This amino acid position is highly conserved in available vertebrate species. In addition, this alteration is predicted to be tolerated by in silico analysis. Since supporting evidence is limited at this time, the clinical significance of this alteration remains unclear.

NM_006231.4(POLE):c.1320C>A (p.Asp440Glu)

Gene: POLE (DNA polymerase epsilon, catalytic subunit; minus strand). Cytogenetic location: 12q24.33.
Variant type: single nucleotide variant.
Coding change: c.1320C>A on transcript NM_006231.4 (MANE Select); coding-DNA position 1320, C replaced by A.
Protein change: p.Asp440Glu; replaces aspartic acid 440 with glutamic acid.
Molecular consequence: missense variant.
Genome position (GRCh38, 1-based): chr12:132,673,614, G>T on the plus strand (C>A on the coding strand, the complement: POLE is on the minus strand). VCF-style: chr12-132673614-G-T. GRCh37 (hg19) VCF-style: chr12-133250200-G-T.
Other names: short protein forms D440E.
Identifiers: ClinVar variation 1769890 (VCV001769890.2), dbSNP rs763350226, ClinGen allele CA387359294.